The following is an entry in ClinVar:

ClinVar aggregate classification (germline): Uncertain significance. Review status: criteria provided, multiple submitters, no conflicts (2 of 4 stars). 2 submissions from 2 submitters: Uncertain significance (2). Last evaluated 2026-01-24.

Conditions:
Inborn genetic diseases. Identifiers: MedGen C0950123, MeSH D030342.

Submissions (2):

Labcorp Genetics (formerly Invitae), Labcorp
Classification: Uncertain significance. Last evaluated: 2026-01-24. Review status: criteria provided, single submitter. Criteria: Invitae Variant Classification Sherloc (09022015). Collection method: clinical testing. Allele origin: germline.
Comment: This sequence change replaces arginine, which is basic and polar, with tryptophan, which is neutral and slightly polar, at codon 114 of the GUCY2C protein (p.Arg114Trp). This variant is present in population databases (rs376869445, gnomAD 0.003%). This variant has not been reported in the literature in individuals affected with GUCY2C-related conditions. ClinVar contains an entry for this variant (Variation ID: 1927460). Invitae Evidence Modeling of protein sequence and biophysical properties (such as structural, functional, and spatial information, amino acid conservation, physicochemical variation, residue mobility, and thermodynamic stability) indicates that this missense variant is not expected to disrupt GUCY2C protein function with a negative predictive value of 80%. In summary, the available evidence is currently insufficient to determine the role of this variant in disease. Therefore, it has been classified as a Variant of Uncertain Significance.

Ambry Genetics
Classification: Uncertain significance for Inborn genetic diseases. Last evaluated: 2025-08-02. Review status: criteria provided, single submitter. Criteria: Ambry Variant Classification Scheme 2023. Collection method: clinical testing. Allele origin: germline.

NM_004963.4(GUCY2C):c.340C>T (p.Arg114Trp)

Genes: GUCY2C (guanylate cyclase 2C; minus strand), GUCY2C-AS1 (GUCY2C antisense RNA 1; plus strand). Cytogenetic location: 12p12.3.
Variant type: single nucleotide variant.
Coding change: c.340C>T on transcript NM_004963.4 (MANE Select); coding-DNA position 340, C replaced by T.
Protein change: p.Arg114Trp; replaces arginine 114 with tryptophan.
Molecular consequence: missense variant.
Genome position (GRCh38, 1-based): chr12:14,686,216, G>A on the plus strand (C>T on the coding strand, the complement: GUCY2C is on the minus strand). VCF-style: chr12-14686216-G-A. GRCh37 (hg19) VCF-style: chr12-14839150-G-A.
Other names: c.340C>T (NM_004963.3); short protein forms R114W.
Identifiers: ClinVar variation 1927460 (VCV001927460.6), dbSNP rs376869445, ClinGen allele CA6463772.